The following is an entry in ClinVar:

NM_000051.4(ATM):c.1518C>G (p.Gly506=)

Gene: ATM (ATM serine/threonine kinase; plus strand). Cytogenetic location: 11q22.3.
Variant type: single nucleotide variant.
Coding change: c.1518C>G on transcript NM_000051.4 (MANE Select); coding-DNA position 1518, C replaced by G.
Protein change: p.Gly506=; no amino-acid change (glycine 506 retained).
Molecular consequence: synonymous variant.
Genome position (GRCh38, 1-based): chr11:108,250,983, C>G. VCF-style: chr11-108250983-C-G. GRCh37 (hg19) VCF-style: chr11-108121710-C-G.
Other names: c.1518C>G, p.Gly506= (NM_001351834.2).
Identifiers: ClinVar variation 797221 (VCV000797221.9), dbSNP rs864622528, ClinGen allele CA476744871.

ClinVar aggregate classification (germline): Benign/Likely benign. Review status: criteria provided, multiple submitters, no conflicts (2 of 4 stars). 2 submissions from 2 submitters: Benign (1); Likely benign (1). Last evaluated 2024-04-29.

Conditions:
Familial cancer of breast. Also called: BREAST CANCER, FAMILIAL; Hereditary breast cancer; hereditary breast carcinoma. Identifiers: Orphanet 227535, MedGen C0346153, MONDO:0016419, OMIM 114480. Disease mechanism: loss of function.
Ataxia-telangiectasia syndrome (AT). Also called: Ataxia-telangiectasia, complementation group E; Ataxia-telangiectasia, complementation group D; Ataxia telangiectasia (A-T); LOUIS-BAR SYNDROME; ATAXIA-TELANGIECTASIA, COMPLEMENTATION GROUP A; ATAXIA-TELANGIECTASIA, FRESNO VARIANT. Identifiers: Orphanet 100, MedGen C0004135, MONDO:0008840, OMIM 208900.

Submissions (2):

Myriad Genetics, Inc.
Classification: Benign for Familial cancer of breast. Last evaluated: 2024-04-29. Review status: criteria provided, single submitter. Criteria: Myriad Autosomal Dominant, Autosomal Recessive and X-Linked Classification Criteria (2023). Collection method: clinical testing. Allele origin: unknown.
Comment: This variant is considered benign. This variant is a silent/synonymous amino acid change and it is not expected to impact splicing.

Labcorp Genetics (formerly Invitae), Labcorp
Classification: Likely benign for Ataxia-telangiectasia syndrome. Last evaluated: 2018-12-19. Review status: criteria provided, single submitter. Criteria: Invitae Variant Classification Sherloc (09022015). Collection method: clinical testing. Allele origin: germline.